The following is an entry in ClinVar:

NM_032380.5(GFM2):c.1120G>A (p.Val374Ile)

Gene: GFM2 (GTP dependent ribosome recycling factor mitochondrial 2; minus strand). Cytogenetic location: 5q13.3.
Variant type: single nucleotide variant.
Coding change: c.1120G>A on transcript NM_032380.5 (MANE Select); coding-DNA position 1120, G replaced by A.
Protein change: p.Val374Ile; replaces valine 374 with isoleucine.
Molecular consequence: missense variant. On other transcripts: non-coding transcript variant (1), intron variant (1).
Genome position (GRCh38, 1-based): chr5:74,738,602, C>T on the plus strand (G>A on the coding strand, the complement: GFM2 is on the minus strand). VCF-style: chr5-74738602-C-T. GRCh37 (hg19) VCF-style: chr5-74034427-C-T.
Other names: c.1216G>A, p.Val406Ile (NM_001281302.2); c.1120G>A, p.Val374Ile (NM_170681.3); c.1080-185G>A (NM_170691.3); c.1120G>A (NM_032380.3); short protein forms V374I, V406I.
Identifiers: ClinVar variation 1380470 (VCV001380470.7), dbSNP rs191007875, ClinGen allele CA3306606.

ClinVar aggregate classification (germline): Uncertain significance. Review status: criteria provided, multiple submitters, no conflicts (2 of 4 stars). 2 submissions from 2 submitters: Uncertain significance (2). Last evaluated 2025-10-30.

Conditions:
Inborn genetic diseases. Identifiers: MedGen C0950123, MeSH D030342.

Allele frequency attached by ClinVar (database versions not stated): ExAC 0.00001; gnomAD exomes 0.00002 and 0.00003; TOPMed 0.00005; gnomAD 0.00007; 1000 Genomes Project 30x 0.00016; 1000 Genomes Project 0.00020.
gnomAD v4.1: 30 of 1,613,518 alleles (0.0019%); highest among the groups gnomAD compares: Admixed American, 0.03%; no homozygotes.

Submissions (2):

Ambry Genetics
Classification: Uncertain significance for Inborn genetic diseases. Last evaluated: 2025-10-30. Review status: criteria provided, single submitter. Criteria: Ambry Variant Classification Scheme 2023. Collection method: clinical testing. Allele origin: germline.

Labcorp Genetics (formerly Invitae), Labcorp
Classification: Uncertain significance. Last evaluated: 2025-04-21. Review status: criteria provided, single submitter. Criteria: Invitae Variant Classification Sherloc (09022015). Collection method: clinical testing. Allele origin: germline.
Comment: This sequence change replaces valine, which is neutral and non-polar, with isoleucine, which is neutral and non-polar, at codon 374 of the GFM2 protein (p.Val374Ile). This variant is present in population databases (rs191007875, gnomAD 0.01%). This variant has not been reported in the literature in individuals affected with GFM2-related conditions. ClinVar contains an entry for this variant (Variation ID: 1380470). Invitae Evidence Modeling of protein sequence and biophysical properties (such as structural, functional, and spatial information, amino acid conservation, physicochemical variation, residue mobility, and thermodynamic stability) indicates that this missense variant is not expected to disrupt GFM2 protein function with a negative predictive value of 80%. In summary, the available evidence is currently insufficient to determine the role of this variant in disease. Therefore, it has been classified as a Variant of Uncertain Significance.